The following is an entry in ClinVar:

NM_000350.3(ABCA4):c.5210del (p.Val1737fs)

Gene: ABCA4 (ATP binding cassette subfamily A member 4; minus strand). Cytogenetic location: 1p22.1.
Variant type: Deletion.
Coding change: c.5210del on transcript NM_000350.3 (MANE Select); coding-DNA position 5210, one base deleted (T; older notation c.5210delT).
Protein change: p.Val1737fs; shifts the reading frame from valine 1737.
Molecular consequence: frameshift variant.
Genome position (GRCh38, 1-based): chr1:94,015,841, A deleted on the plus strand (T on the coding strand, the reverse complement: ABCA4 is on the minus strand). VCF-style (leftmost placement, unchanged base first): chr1-94015840-CA-C. GRCh37 (hg19) VCF-style: chr1-94481396-CA-C.
Other names: c.4988delT, p.Val1663Glyfs (NM_001425324.1); short protein forms V1737fs.
Identifiers: ClinVar variation 1072883 (VCV001072883.8), dbSNP rs2101015583, ClinGen allele CA2499214878.
Genomic context (GRCh38, chr1:94,015,840, plus strand): 5'-TGGAGAAGTGTAGGCTTTCTTCTGAAACCCGATGAAGATGCCCACCACCAGCCCAGCACT[CA>C]CGGAATAATTCATCTCGGAAAGAGAAGAGGAGAGCAAGTCACTTAACCTCTCAGACCTGC-3'

ClinVar aggregate classification (germline): Pathogenic (1 of 4 stars; one submission).

Allele frequency attached by ClinVar (database versions not stated): gnomAD exomes below 0.00001.

Submission:

Labcorp Genetics (formerly Invitae), Labcorp
Classification: Pathogenic. Last evaluated: 2023-07-10. Review status: criteria provided, single submitter. Criteria: Invitae Variant Classification Sherloc (09022015). Collection method: clinical testing. Allele origin: germline.
Comment: This sequence change creates a premature translational stop signal (p.Val1737Glyfs*41) in the ABCA4 gene. It is expected to result in an absent or disrupted protein product. Loss-of-function variants in ABCA4 are known to be pathogenic (PMID: 10958761, 24938718, 25312043, 26780318). This variant is not present in population databases (gnomAD no frequency). For these reasons, this variant has been classified as Pathogenic. ClinVar contains an entry for this variant (Variation ID: 1072883). This variant has not been reported in the literature in individuals affected with ABCA4-related conditions.

Literature cited by the submitters: PubMed 10958761; PubMed 24938718; PubMed 25312043; PubMed 26780318.